The following is an entry in ClinVar:

ClinVar aggregate classification (germline): Uncertain significance (1 of 4 stars; one submission).

Conditions:
Atrial fibrillation, familial, 6 (ATFB6). Identifiers: MedGen C2677294, MONDO:0012816, OMIM 612201.

Allele frequency attached by ClinVar (database versions not stated): gnomAD exomes 0.00002; ExAC 0.00003.

Submission:

Labcorp Genetics (formerly Invitae), Labcorp
Classification: Uncertain significance for Atrial fibrillation, familial, 6. Last evaluated: 2021-08-16. Review status: criteria provided, single submitter. Criteria: Invitae Variant Classification Sherloc (09022015). Collection method: clinical testing. Allele origin: germline.
Comment: In summary, the available evidence is currently insufficient to determine the role of this variant in disease. Therefore, it has been classified as a Variant of Uncertain Significance. This sequence change replaces alanine with valine at codon 70 of the NPPA protein (p.Ala70Val). The alanine residue is moderately conserved and there is a small physicochemical difference between alanine and valine. This variant is present in population databases (rs13305987, ExAC 0.02%). This missense change has been observed in individual(s) with arrhythmia (PMID: 30847666). Algorithms developed to predict the effect of missense changes on protein structure and function output the following: SIFT: "Tolerated"; PolyPhen-2: "Benign"; Align-GVGD: "Class C0". The valine amino acid residue is found in multiple mammalian species, which suggests that this missense change does not adversely affect protein function.

Literature cited by the submitters: PubMed 30847666.

NM_006172.4(NPPA):c.209C>T (p.Ala70Val)

Genes: NPPA (natriuretic peptide A; minus strand), NPPA-AS1 (NPPA antisense RNA 1; plus strand), LOC114827827 (VISTA enhancer hs2123; plus strand). Cytogenetic location: 1p36.22.
Variant type: single nucleotide variant.
Coding change: c.209C>T on transcript NM_006172.4 (MANE Select); coding-DNA position 209, C replaced by T.
Protein change: p.Ala70Val; replaces alanine 70 with valine.
Molecular consequence: missense variant.
Genome position (GRCh38, 1-based): chr1:11,847,354, G>A on the plus strand (C>T on the coding strand, the complement: NPPA is on the minus strand). VCF-style: chr1-11847354-G-A. GRCh37 (hg19) VCF-style: chr1-11907411-G-A.
Other names: short protein forms A70V.
Identifiers: ClinVar variation 1408346 (VCV001408346.6), dbSNP rs13305987, ClinGen allele CA597059.
Genomic context (GRCh38, chr1:11,847,354, plus strand): 5'-GCTGGGCTGACTTCCCCGGTCCAGGGAGGCACCTCAGGGAGGGGGCTGAGAGCAGCCCCC[G>A]CTTCTTCATTCGGCTCACTGAGCACTTGTGGGGGCACGACCTCATCTTCTAAAGGCATCT-3'
Protein context (NP_006163.1, residues 60-80): PQVLSEPNEE[Ala70Val]GAALSPLPEV